The following is an entry in ClinVar:

NM_000552.5(VWF):c.3907A>G (p.Met1303Val)

Gene: VWF (von Willebrand factor; minus strand). Cytogenetic location: 12p13.31.
Variant type: single nucleotide variant.
Coding change: c.3907A>G on transcript NM_000552.5 (MANE Select); coding-DNA position 3907, A replaced by G.
Protein change: p.Met1303Val; replaces methionine 1303 with valine.
Molecular consequence: missense variant.
Genome position (GRCh38, 1-based): chr12:6,019,511, T>C on the plus strand (A>G on the coding strand, the complement: VWF is on the minus strand). VCF-style: chr12-6019511-T-C. GRCh37 (hg19) VCF-style: chr12-6128677-T-C.
Other names: short protein forms M1303V.
Identifiers: ClinVar variation 1684482 (VCV001684482.2), dbSNP rs1029751209, ClinGen allele CA232297774.

ClinVar aggregate classification (germline): Uncertain significance. Review status: criteria provided, single submitter (1 of 4 stars). 2 submissions from 2 submitters: Uncertain significance (1). 1 of the submissions does not count toward it. Last evaluated 2024-11-18.

Conditions:
Hereditary von Willebrand disease. Identifiers: Orphanet 903, MedGen C5703318, MONDO:0019565. Inheritance: Autosomal recessive or Autosomal dominant.

Allele frequency attached by ClinVar (database versions not stated): gnomAD exomes below 0.00001 and 0.00001; gnomAD 0.00003 and 0.00004.

Submissions (2):

GeneDx
Classification: Uncertain significance. Last evaluated: 2024-11-18. Review status: criteria provided, single submitter. Criteria: GeneDx Variant Classification Process June 2021. Collection method: clinical testing. Allele origin: germline. Affected: yes.
Comment: In silico analysis indicates that this missense variant does not alter protein structure/function; Has not been previously published as pathogenic or benign to our knowledge

ISTH-SSC Genomics in Thrombosis and Hemostasis, KU Leuven, Center for Molecular and Vascular Biology
Classification: Uncertain significance for von Willebrand disorder. Review status: no assertion criteria provided. Collection method: research. Allele origin: unknown. Affected: yes. Not counted in ClinVar's aggregate classification.
Comment: Submitted to GoldVariant by Dr Karyn Mégy from NIHR Bioresource - Cambridge University, UK